The following is an entry in ClinVar:

ClinVar aggregate classification (germline): Benign. Review status: criteria provided, multiple submitters, no conflicts (2 of 4 stars). 3 submissions from 3 submitters: Benign (2). 1 of the submissions does not count toward it. Last evaluated 2019-12-31.

Conditions:
FBXO31-related disorder. Also called: FBXO31-related condition.

Allele frequency attached by ClinVar (database versions not stated): gnomAD exomes 0.00152 and 0.00146; gnomAD 0.01752 and 0.01885; 1000 Genomes Project 0.01897; 1000 Genomes Project 30x 0.01905; ExAC 0.00258; TOPMed 0.01970.
gnomAD v4.1: 4,526 of 1,326,172 alleles (0.34%); highest among the groups gnomAD compares: African/African-American, 6.2%; 135 homozygotes.

Submissions (3):

Labcorp Genetics (formerly Invitae), Labcorp
Classification: Benign. Last evaluated: 2019-12-31. Review status: criteria provided, single submitter. Criteria: Invitae Variant Classification Sherloc (09022015). Collection method: clinical testing. Allele origin: germline.

Breakthrough Genomics
Classification: Benign. Review status: criteria provided, single submitter. Criteria: ACMG Guidelines, 2015. Collection method: not provided. Allele origin: germline. Inheritance: Autosomal recessive inheritance. Affected: yes.

PreventionGenetics, part of Exact Sciences
Classification: Benign for FBXO31-related condition. Last evaluated: 2019-10-31. Review status: no assertion criteria provided. Collection method: clinical testing. Allele origin: germline. Not counted in ClinVar's aggregate classification.
Comment: This variant is classified as benign based on ACMG/AMP sequence variant interpretation guidelines (Richards et al. 2015 PMID: 25741868, with internal and published modifications).

NM_024735.5(FBXO31):c.84G>C (p.Thr28=)

Gene: FBXO31 (F-box protein 31; minus strand). Cytogenetic location: 16q24.2.
Variant type: single nucleotide variant.
Coding change: c.84G>C on transcript NM_024735.5 (MANE Select); coding-DNA position 84, G replaced by C.
Protein change: p.Thr28=; no amino-acid change (threonine 28 retained).
Molecular consequence: synonymous variant. On other transcripts: intron variant (1).
Genome position (GRCh38, 1-based): chr16:87,383,661, C>G on the plus strand (G>C on the coding strand, the complement: FBXO31 is on the minus strand). VCF-style: chr16-87383661-C-G. GRCh37 (hg19) VCF-style: chr16-87417267-C-G.
Other names: c.-177+6076G>C (NM_001282683.2).
Identifiers: ClinVar variation 784345 (VCV000784345.7), dbSNP rs142281776, ClinGen allele CA8219341.